The following is an entry in ClinVar:

NM_006767.4(LZTR1):c.2315A>C (p.Asn772Thr)

Gene: LZTR1 (leucine zipper like post translational regulator 1; plus strand). Cytogenetic location: 22q11.21.
Variant type: single nucleotide variant.
Coding change: c.2315A>C on transcript NM_006767.4 (MANE Select); coding-DNA position 2315, A replaced by C.
Protein change: p.Asn772Thr; replaces asparagine 772 with threonine.
Molecular consequence: missense variant.
Genome position (GRCh38, 1-based): chr22:20,996,791, A>C. VCF-style: chr22-20996791-A-C. GRCh37 (hg19) VCF-style: chr22-21351080-A-C.
Other names: short protein forms N772T.
Identifiers: ClinVar variation 1789479 (VCV001789479.5), dbSNP rs1924870295, ClinGen allele CA410780928.

ClinVar aggregate classification (germline): Uncertain significance. Review status: criteria provided, multiple submitters, no conflicts (2 of 4 stars). 2 submissions from 2 submitters: Uncertain significance (2). Last evaluated 2025-10-01.

Conditions:
Hereditary cancer-predisposing syndrome. Also called: Hereditary Cancer Syndrome; Hereditary neoplastic syndrome; Tumor predisposition; Neoplastic Syndromes, Hereditary. Identifiers: Orphanet 140162, MedGen C0027672, MeSH D009386, MONDO:0015356.
Cardiovascular phenotype. Identifiers: MedGen CN230736.

Submissions (2):

Labcorp Genetics (formerly Invitae), Labcorp
Classification: Uncertain significance. Last evaluated: 2025-10-01. Review status: criteria provided, single submitter. Criteria: Invitae Variant Classification Sherloc (09022015). Collection method: clinical testing. Allele origin: germline.
Comment: This sequence change replaces asparagine, which is neutral and polar, with threonine, which is neutral and polar, at codon 772 of the LZTR1 protein (p.Asn772Thr). This variant is not present in population databases (gnomAD no frequency). This variant has not been reported in the literature in individuals affected with LZTR1-related conditions. ClinVar contains an entry for this variant (Variation ID: 1789479). Invitae Evidence Modeling of protein sequence and biophysical properties (such as structural, functional, and spatial information, amino acid conservation, physicochemical variation, residue mobility, and thermodynamic stability) indicates that this missense variant is not expected to disrupt LZTR1 protein function with a negative predictive value of 80%. In summary, the available evidence is currently insufficient to determine the role of this variant in disease. Therefore, it has been classified as a Variant of Uncertain Significance.

Ambry Genetics
Classification: Uncertain significance for Cardiovascular phenotype; Hereditary cancer-predisposing syndrome. Last evaluated: 2022-04-15. Review status: criteria provided, single submitter. Criteria: Ambry Variant Classification Scheme 2023. Collection method: clinical testing. Allele origin: germline.
Comment: The p.N772T variant (also known as c.2315A>C), located in coding exon 19 of the LZTR1 gene, results from an A to C substitution at nucleotide position 2315. The asparagine at codon 772 is replaced by threonine, an amino acid with similar properties. This amino acid position is highly conserved in available vertebrate species. In addition, the in silico prediction for this alteration is inconclusive. Since supporting evidence is limited at this time, the clinical significance of this alteration remains unclear.